The following is an entry in ClinVar:

NM_003200.5(TCF3):c.863C>T (p.Pro288Leu)

Gene: TCF3 (transcription factor 3; minus strand). Cytogenetic location: 19p13.3.
Variant type: single nucleotide variant.
Coding change: c.863C>T on transcript NM_003200.5 (MANE Select); coding-DNA position 863, C replaced by T.
Protein change: p.Pro288Leu; replaces proline 288 with leucine.
Molecular consequence: missense variant.
Genome position (GRCh38, 1-based): chr19:1,621,930, G>A on the plus strand (C>T on the coding strand, the complement: TCF3 is on the minus strand). VCF-style: chr19-1621930-G-A. GRCh37 (hg19) VCF-style: chr19-1621929-G-A.
Other names: c.863C>T, p.Pro288Leu (NM_001136139.4, NM_001351778.2, NM_001351779.2); short protein forms P288L.
Identifiers: ClinVar variation 1461443 (VCV001461443.6), dbSNP rs768859170, ClinGen allele CA9050193.

ClinVar aggregate classification (germline): Uncertain significance (1 of 4 stars; one submission).

Allele frequency attached by ClinVar (database versions not stated): gnomAD exomes 0.00002; ExAC 0.00004.
gnomAD v4.1: 4 of 1,605,480 alleles (0.00025%); highest among the groups gnomAD compares: East Asian, 0.0022%; no homozygotes.

Submission:

Labcorp Genetics (formerly Invitae), Labcorp
Classification: Uncertain significance. Last evaluated: 2023-09-13. Review status: criteria provided, single submitter. Criteria: Invitae Variant Classification Sherloc (09022015). Collection method: clinical testing. Allele origin: germline.
Comment: This variant is present in population databases (rs768859170, gnomAD 0.02%). This sequence change replaces proline, which is neutral and non-polar, with leucine, which is neutral and non-polar, at codon 288 of the TCF3 protein (p.Pro288Leu). This variant has not been reported in the literature in individuals affected with TCF3-related conditions. In summary, the available evidence is currently insufficient to determine the role of this variant in disease. Therefore, it has been classified as a Variant of Uncertain Significance. Advanced modeling of protein sequence and biophysical properties (such as structural, functional, and spatial information, amino acid conservation, physicochemical variation, residue mobility, and thermodynamic stability) performed at Invitae indicates that this missense variant is not expected to disrupt TCF3 protein function. ClinVar contains an entry for this variant (Variation ID: 1461443).